The following is an entry in ClinVar:

ClinVar aggregate classification (germline): Uncertain significance (1 of 4 stars; one submission).

Conditions:
Congenital adrenal hyperplasia due to cytochrome P450 oxidoreductase deficiency. Also called: DISORDERED STEROIDOGENESIS DUE TO POR DEFICIENCY. Identifiers: Orphanet 95699, MedGen C1860042, MONDO:0013310, OMIM 613571.

Allele frequency attached by ClinVar (database versions not stated): gnomAD exomes below 0.00001; gnomAD 0.00001.

Submission:

Labcorp Genetics (formerly Invitae), Labcorp
Classification: Uncertain significance for Congenital adrenal hyperplasia due to cytochrome P450 oxidoreductase deficiency. Last evaluated: 2021-08-27. Review status: criteria provided, single submitter. Criteria: Invitae Variant Classification Sherloc (09022015). Collection method: clinical testing. Allele origin: germline.
Comment: This sequence change replaces aspartic acid with asparagine at codon 104 of the POR protein (p.Asp104Asn). The aspartic acid residue is highly conserved and there is a small physicochemical difference between aspartic acid and asparagine. This variant is not present in population databases (ExAC no frequency). This variant has not been reported in the literature in individuals affected with POR-related conditions. Algorithms developed to predict the effect of missense changes on protein structure and function are either unavailable or do not agree on the potential impact of this missense change (SIFT: "Deleterious"; PolyPhen-2: "Probably Damaging"; Align-GVGD: "Class C0"). In summary, the available evidence is currently insufficient to determine the role of this variant in disease. Therefore, it has been classified as a Variant of Uncertain Significance.

NM_001395413.1(POR):c.301G>A (p.Asp101Asn)

Gene: POR (cytochrome p450 oxidoreductase; plus strand). Cytogenetic location: 7q11.23.
Variant type: single nucleotide variant.
Coding change: c.301G>A on transcript NM_001395413.1 (MANE Select); coding-DNA position 301, G replaced by A.
Protein change: p.Asp101Asn; replaces aspartic acid 101 with asparagine.
Molecular consequence: missense variant.
Genome position (GRCh38, 1-based): chr7:75,979,523, G>A. VCF-style: chr7-75979523-G-A. GRCh37 (hg19) VCF-style: chr7-75608841-G-A.
Other names: c.301G>A, p.Asp101Asn (NM_001367562.3, NM_001382657.2, NM_001382658.3 and 2 more transcripts); c.355G>A, p.Asp119Asn (NM_001382655.3); short protein forms D101N, D119N.
Identifiers: ClinVar variation 1428107 (VCV001428107.5), dbSNP rs958254199, ClinGen allele CA160901996.